The following is an entry in ClinVar:

NM_005732.4(RAD50):c.2923-10T>C

Gene: RAD50 (RAD50 double strand break repair protein; plus strand). Cytogenetic location: 5q31.1.
Variant type: single nucleotide variant.
Coding change: c.2923-10T>C on transcript NM_005732.4 (MANE Select); 10 bases into the intron before coding-DNA position 2923, T replaced by C.
Molecular consequence: intron variant.
Genome position (GRCh38, 1-based): chr5:132,609,273, T>C. VCF-style: chr5-132609273-T-C. GRCh37 (hg19) VCF-style: chr5-131944965-T-C.
Identifiers: ClinVar variation 414944 (VCV000414944.13), dbSNP rs751516224, ClinGen allele CA3405491.

ClinVar aggregate classification (germline): Conflicting classifications of pathogenicity. Review status: criteria provided, conflicting classifications (1 of 4 stars). 2 submissions from 2 submitters: Uncertain significance (1); Likely benign (1). Last evaluated 2025-07-31.

Conditions:
Hereditary cancer-predisposing syndrome. Also called: Tumor predisposition; Neoplastic Syndromes, Hereditary; Hereditary neoplastic syndrome; Hereditary Cancer Syndrome. Identifiers: Orphanet 140162, MedGen C0027672, MeSH D009386, MONDO:0015356.

Allele frequency attached by ClinVar (database versions not stated): gnomAD exomes 0.00001; TOPMed 0.00001; ExAC 0.00002.
gnomAD v4.1: 31 of 1,591,758 alleles (0.0019%); highest among the groups gnomAD compares: African/African-American, 0.0035%; no homozygotes.

Submissions (2):

Labcorp Genetics (formerly Invitae), Labcorp
Classification: Likely benign for Hereditary cancer-predisposing syndrome. Last evaluated: 2025-07-31. Review status: criteria provided, single submitter. Criteria: Invitae Variant Classification Sherloc (09022015). Collection method: clinical testing. Allele origin: germline.

Quest Diagnostics Nichols Institute San Juan Capistrano
Classification: Uncertain significance. Last evaluated: 2024-10-30. Review status: criteria provided, single submitter. Criteria: Quest Diagnostics criteria. Collection method: clinical testing. Allele origin: unknown.
Comment: The RAD50 c.2923-10T>C variant has not been reported in individuals with RAD50-related conditions in the published literature. The frequency of this variant in the general population, 0.000013 (3/238180 chromosomes (Genome Aggregation Database)), is uninformative in the assessment of its pathogenicity. Analysis of this variant using software algorithms for the prediction of the effect of nucleotide changes on splicing yielded predictions that this variant does not affect RAD50 mRNA splicing. Based on the available information, we are unable to determine the clinical significance of this variant.